The following is an entry in ClinVar:

ClinVar aggregate classification (germline): Uncertain significance. Review status: criteria provided, multiple submitters, no conflicts (2 of 4 stars). 2 submissions from 2 submitters: Uncertain significance (2). Last evaluated 2024-03-28.

Conditions:
Familial thoracic aortic aneurysm and aortic dissection (TAAD). Also called: Thoracic aortic aneurysms and dissections. Identifiers: Orphanet 91387, MedGen C4707243, MONDO:0019625.

Submissions (2):

All of Us Research Program, National Institutes of Health
Classification: Uncertain significance for Familial thoracic aortic aneurysm and aortic dissection. Last evaluated: 2024-03-28. Review status: criteria provided, single submitter. Criteria: ACMG Guidelines, 2015. Collection method: clinical testing. Allele origin: germline. Inheritance: Autosomal dominant inheritance. Observed: 1 variant allele, 1 heterozygote.
Comment: This missense variant replaces glycine with alanine at codon 945 of the MYH11 protein. Computational prediction suggests that this variant may not impact protein structure and function (internally defined REVEL score threshold <= 0.5, PMID: 27666373). To our knowledge, functional studies have not been reported for this variant. This variant has not been reported in individuals affected with cardiovascular disorders in the literature. This variant has not been identified in the general population by the Genome Aggregation Database (gnomAD). The available evidence is insufficient to determine the role of this variant in disease conclusively. Therefore, this variant is classified as a Variant of Uncertain Significance.

This study involves interpretation of variants in research participants for the purpose of population health screening. Participant phenotype was not available at the time of variant classification. Additional details can be found in publication PMID: 35346344, PMCID: PMC8962531

Color Diagnostics, LLC DBA Color Health
Classification: Uncertain significance for Familial thoracic aortic aneurysm and aortic dissection. Last evaluated: 2024-03-06. Review status: criteria provided, single submitter. Criteria: ACMG Guidelines, 2015. Collection method: clinical testing. Allele origin: germline.
Comment: This missense variant replaces glycine with alanine at codon 945 of the MYH11 protein. Computational prediction suggests that this variant may not impact protein structure and function (internally defined REVEL score threshold <= 0.5, PMID: 27666373). To our knowledge, functional studies have not been reported for this variant. This variant has not been reported in individuals affected with cardiovascular disorders in the literature. This variant has not been identified in the general population by the Genome Aggregation Database (gnomAD). The available evidence is insufficient to determine the role of this variant in disease conclusively. Therefore, this variant is classified as a Variant of Uncertain Significance.

NM_002474.3(MYH11):c.2813G>C (p.Gly938Ala)

Gene: MYH11 (myosin heavy chain 11; minus strand). Cytogenetic location: 16p13.11.
Variant type: single nucleotide variant.
Coding change: c.2813G>C on transcript NM_002474.3 (MANE Select); coding-DNA position 2813, G replaced by C.
Protein change: p.Gly938Ala; replaces glycine 938 with alanine.
Molecular consequence: missense variant.
Genome position (GRCh38, 1-based): chr16:15,741,509, C>G on the plus strand (G>C on the coding strand, the complement: MYH11 is on the minus strand). VCF-style: chr16-15741509-C-G. GRCh37 (hg19) VCF-style: chr16-15835366-C-G.
Other names: c.2834G>C, p.Gly945Ala (NM_001040113.2, NM_001040114.2); c.2813G>C, p.Gly938Ala (NM_022844.3); short protein forms G938A, G945A.
Identifiers: ClinVar variation 1332581 (VCV001332581.4), dbSNP rs2041270792, ClinGen allele CA394865001.
Genomic context (GRCh38, chr16:15,741,509, plus strand): 5'-CTGTGACACCTTACCAGCATCTGCTGGGCCATCTTCTTCCTTTCAGCCTGTAGCTGCTGG[C>G]CCCTGTCTTCCTCCTCCTCCAGGCGGGCCTCCATCTCATGCAGTATCTCCTCCAGCTCCT-3'
Protein context (NP_002465.1, residues 928-948): EARLEEEEDR[Gly938Ala]QQLQAERKKM